The following is an entry in ClinVar:

NM_000180.4(GUCY2D):c.3268C>T (p.Arg1090Trp)

Gene: GUCY2D (guanylate cyclase 2D, retinal; plus strand). Cytogenetic location: 17p13.1.
Variant type: single nucleotide variant.
Coding change: c.3268C>T on transcript NM_000180.4 (MANE Select); coding-DNA position 3268, C replaced by T.
Protein change: p.Arg1090Trp; replaces arginine 1090 with tryptophan.
Molecular consequence: missense variant.
Genome position (GRCh38, 1-based): chr17:8,016,486, C>T. VCF-style: chr17-8016486-C-T. GRCh37 (hg19) VCF-style: chr17-7919804-C-T.
Other names: c.3268C>T (NM_000180.3); short protein forms R1090W.
Identifiers: ClinVar variation 1974175 (VCV001974175.9), dbSNP rs780510809, ClinGen allele CA8366372.

ClinVar aggregate classification (germline): Uncertain significance. Review status: criteria provided, multiple submitters, no conflicts (2 of 4 stars). 3 submissions from 3 submitters: Uncertain significance (2). 1 of the submissions does not count toward it. Last evaluated 2024-05-28.

Conditions:
Leber congenital amaurosis 1 (LCA1). Also called: RETINAL BLINDNESS, CONGENITAL; AMAUROSIS CONGENITA OF LEBER I; Congenital absence of the rods and cones; Leber's congenital tapetoretinal degeneration; Leber's congenital tapetoretinal dysplasia. Identifiers: Orphanet 65, MedGen C2931258, MONDO:0008764, OMIM 204000.
Night blindness, congenital stationary, type1i. Also called: NIGHT BLINDNESS, CONGENITAL STATIONARY, TYPE 1I. Identifiers: MedGen C5231408, MONDO:0032811, OMIM 618555.
Cone-rod dystrophy 6 (CORD6). Also called: RETINAL CONE DYSTROPHY 2; Cone dystrophy progressive. Identifiers: Orphanet 1872, MedGen C1866293, MONDO:0011143, OMIM 601777.
Retinal dystrophy. Also called: Inherited retinal dystrophy. Identifiers: Orphanet 71862, MedGen C0854723, MeSH D058499, MONDO:0019118, HP:0000556.

Allele frequency attached by ClinVar (database versions not stated): gnomAD exomes below 0.00001.
gnomAD v4.1: 3 of 1,581,316 alleles (0.00019%); highest among the groups gnomAD compares: Middle Eastern, 0.017%; no homozygotes.

Submissions (3):

GeneDx
Classification: Uncertain significance. Last evaluated: 2024-05-28. Review status: criteria provided, single submitter. Criteria: GeneDx Variant Classification Process June 2021. Collection method: clinical testing. Allele origin: germline. Affected: yes.
Comment: Not observed at significant frequency in large population cohorts (gnomAD); In silico analysis supports that this missense variant has a deleterious effect on protein structure/function; Has not been previously published as pathogenic or benign to our knowledge

Labcorp Genetics (formerly Invitae), Labcorp
Classification: Uncertain significance for Leber congenital amaurosis 1; Cone-rod dystrophy 6. Last evaluated: 2024-01-19. Review status: criteria provided, single submitter. Criteria: Invitae Variant Classification Sherloc (09022015). Collection method: clinical testing. Allele origin: germline.
Comment: This sequence change replaces arginine, which is basic and polar, with tryptophan, which is neutral and slightly polar, at codon 1090 of the GUCY2D protein (p.Arg1090Trp). This variant is not present in population databases (gnomAD no frequency). This variant has not been reported in the literature in individuals affected with GUCY2D-related conditions. ClinVar contains an entry for this variant (Variation ID: 1974175). Advanced modeling of protein sequence and biophysical properties (such as structural, functional, and spatial information, amino acid conservation, physicochemical variation, residue mobility, and thermodynamic stability) performed at Invitae indicates that this missense variant is not expected to disrupt GUCY2D protein function with a negative predictive value of 80%. In summary, the available evidence is currently insufficient to determine the role of this variant in disease. Therefore, it has been classified as a Variant of Uncertain Significance.

Institute of Human Genetics, Univ. Regensburg, Univ. Regensburg
Classification: Uncertain significance for Retinal dystrophy. Last evaluated: 2022-01-01. Review status: no assertion criteria provided. Criteria: ACMG Guidelines, 2015. Collection method: clinical testing. Allele origin: germline. Affected: yes. Not counted in ClinVar's aggregate classification.